The following is an entry in ClinVar:

ClinVar aggregate classification (germline): Uncertain significance (1 of 4 stars; one submission).

Allele frequency attached by ClinVar (database versions not stated): gnomAD exomes below 0.00001.

Submission:

Labcorp Genetics (formerly Invitae), Labcorp
Classification: Uncertain significance. Last evaluated: 2022-06-30. Review status: criteria provided, single submitter. Criteria: Invitae Variant Classification Sherloc (09022015). Collection method: clinical testing. Allele origin: germline.
Comment: This sequence change replaces arginine, which is basic and polar, with histidine, which is basic and polar, at codon 1493 of the SBF1 protein (p.Arg1493His). This variant is not present in population databases (gnomAD no frequency). This variant has not been reported in the literature in individuals affected with SBF1-related conditions. Advanced modeling of protein sequence and biophysical properties (such as structural, functional, and spatial information, amino acid conservation, physicochemical variation, residue mobility, and thermodynamic stability) performed at Invitae indicates that this missense variant is expected to disrupt SBF1 protein function. In summary, the available evidence is currently insufficient to determine the role of this variant in disease. Therefore, it has been classified as a Variant of Uncertain Significance.

NM_002972.4(SBF1):c.4478G>A (p.Arg1493His)

Gene: SBF1 (SET binding factor 1; minus strand). Cytogenetic location: 22q13.33.
Variant type: single nucleotide variant.
Coding change: c.4478G>A on transcript NM_002972.4 (MANE Select); coding-DNA position 4478, G replaced by A.
Protein change: p.Arg1493His; replaces arginine 1493 with histidine.
Molecular consequence: missense variant.
Genome position (GRCh38, 1-based): chr22:50,455,300, C>T on the plus strand (G>A on the coding strand, the complement: SBF1 is on the minus strand). VCF-style: chr22-50455300-C-T. GRCh37 (hg19) VCF-style: chr22-50893729-C-T.
Other names: c.4403G>A, p.Arg1468His (NM_001365819.1); c.4481G>A, p.Arg1494His (NM_001410794.1); c.4400G>A, p.Arg1467His (NM_001410795.1); c.4478G>A, p.Arg1493His (NM_197971.1); short protein forms R1467H, R1468H, R1493H, R1494H.
Identifiers: ClinVar variation 2012400 (VCV002012400.1), dbSNP rs1161587169, ClinGen allele CA412195690.
Genomic context (GRCh38, chr22:50,455,300, plus strand): 5'-AGGAACTGCAGGAAGACGGGTGTGAAGCCGCTGCTCTGCCCGGCCAGGGTGTGAGCTCCA[C>T]GGTGGCTGAAGCGATGGCCGAAGGACAGCCACTCCTTCTCCACCAGCAGGCGAAAGCCCT-3'
Protein context (NP_002963.2, residues 1483-1503): WLSFGHRFSH[Arg1493His]GAHTLAGQSS